The following is an entry in ClinVar:

ClinVar aggregate classification (germline): Likely benign (0 of 4 stars; one submission).

Conditions:
PTPRM-related disorder. Also called: PTPRM-related condition.

Allele frequency attached by ClinVar (database versions not stated): gnomAD exomes 0.00007; ExAC 0.00020; ESP Exome Variant Server 0.00046; TOPMed 0.00068; gnomAD 0.00069; 1000 Genomes Project 0.00080; 1000 Genomes Project 30x 0.00109.
gnomAD v4.1: 208 of 1,585,734 alleles (0.013%); highest among the groups gnomAD compares: African/African-American, 0.27%; no homozygotes.

Submissions (2):

PreventionGenetics, part of Exact Sciences
Classification: Likely benign for PTPRM-related condition. Last evaluated: 2023-07-30. Review status: no assertion criteria provided. Collection method: clinical testing. Allele origin: germline.
Comment: This variant is classified as likely benign based on ACMG/AMP sequence variant interpretation guidelines (Richards et al. 2015 PMID: 25741868, with internal and published modifications).

Dr. Peter K. Rogan Lab, Western University
No classification provided (evidence only). Condition: Familial cancer of breast. Review status: no classification provided. Collection method: in vitro. Allele origin: not applicable. Functional consequence: skipped exon. Not counted in ClinVar's aggregate classification.

NM_001105244.2(PTPRM):c.2427G>A (p.Met809Ile)

Gene: PTPRM (protein tyrosine phosphatase receptor type M; plus strand). Cytogenetic location: 18p11.23.
Variant type: single nucleotide variant.
Coding change: c.2427G>A on transcript NM_001105244.2 (MANE Select); coding-DNA position 2427, G replaced by A.
Protein change: p.Met809Ile; replaces methionine 809 with isoleucine.
Molecular consequence: missense variant.
Genome position (GRCh38, 1-based): chr18:8,244,184, G>A. VCF-style: chr18-8244184-G-A. GRCh37 (hg19) VCF-style: chr18-8244182-G-A.
Other names: NC_000018.9:g.8244182G>A; c.1788G>A, p.Met596Ile (NM_001378142.1, NM_001378143.1, NM_001378146.1); c.1863G>A, p.Met621Ile (NM_001378144.1, NM_001378145.1, NM_001378147.1); c.2427G>A, p.Met809Ile (NM_002845.4); short protein forms M596I, M621I, M809I.
Identifiers: ClinVar variation 3054920 (VCV003054920.3), dbSNP rs147989230, ClinGen allele CA8884356.